The following is an entry in ClinVar:

ClinVar aggregate classification (germline): Uncertain significance (1 of 4 stars; one submission).

Conditions:
Primary ciliary dyskinesia. Also called: Ciliary dyskinesia. Identifiers: Orphanet 244, MedGen C0008780, MONDO:0016575, HP:0012265.

Submission:

Labcorp Genetics (formerly Invitae), Labcorp
Classification: Uncertain significance for Primary ciliary dyskinesia. Last evaluated: 2015-04-09. Review status: criteria provided, single submitter. Criteria: Invitae Variant Classification Sherloc (09022015). Collection method: clinical testing. Allele origin: germline.
Comment: This sequence change inserts 156 nucleotides in exon 8 of the DNAAF1 mRNA (c.1306_1307ins156). This leads to the insertion of 52 amino acid residues in the DNAAF1 protein (p.Gly436_Glu437ins52) but otherwise preserves the integrity of the reading frame. This variant has not been published in the literature and is not present in population databases. The effect of a large in-frame insertion in exon 8 of the DNAAF1 gene is unknown and experimental studies have not been done to assess the impact of this particular insertion on splicing or protein function. In summary, this is a novel in-frame insertion with uncertain impact on protein function. It has been classified as a Variant of Uncertain Significance.

NM_178452.5(DNAAF1):c.1306_1307ins156

Gene: DNAAF1 (dynein axonemal assembly factor 1; plus strand). Cytogenetic location: 16q24.1.
Variant type: Insertion.
Coding change: c.1306_1307ins156 on transcript NM_178452.5; coding-DNA positions 1306 to 1307, an insertion.
Identifiers: ClinVar variation 216878 (VCV000216878.1).